The following is an entry in ClinVar:

NM_022166.4(XYLT1):c.557C>G (p.Pro186Arg)

Genes: XYLT1 (xylosyltransferase 1; minus strand), LOC130058566 (ATAC-STARR-seq lymphoblastoid active region 10505; plus strand). Cytogenetic location: 16p12.3.
Variant type: single nucleotide variant.
Coding change: c.557C>G on transcript NM_022166.4 (MANE Select); coding-DNA position 557, C replaced by G.
Protein change: p.Pro186Arg; replaces proline 186 with arginine.
Molecular consequence: missense variant.
Genome position (GRCh38, 1-based): chr16:17,259,344, G>C on the plus strand (C>G on the coding strand, the complement: XYLT1 is on the minus strand). VCF-style: chr16-17259344-G-C. GRCh37 (hg19) VCF-style: chr16-17353201-G-C.
Other names: short protein forms P186R.
Identifiers: ClinVar variation 3702988 (VCV003702988.1).

ClinVar aggregate classification (germline): Uncertain significance (1 of 4 stars; one submission).

Conditions:
Desbuquois dysplasia 1 (DBQD1). Also called: MICROMELIC DWARFISM WITH VERTEBRAL AND METAPHYSEAL ABNORMALITIES AND ADVANCED CARPOTARSAL OSSIFICATION; DESBUQUOIS DYSPLASIA 1, KIM VARIANT. Identifiers: Orphanet 1425, MedGen C4012146, MONDO:0009629, OMIM 251450.

gnomAD v4.1: 3 of 1,614,066 alleles (0.00019%); highest among the groups gnomAD compares: Admixed American, 0.005%; no homozygotes.

Submission:

Labcorp Genetics (formerly Invitae), Labcorp
Classification: Uncertain significance for Desbuquois dysplasia 1. Last evaluated: 2024-12-12. Review status: criteria provided, single submitter. Criteria: Invitae Variant Classification Sherloc (09022015). Collection method: clinical testing. Allele origin: germline.
Comment: This sequence change replaces proline, which is neutral and non-polar, with arginine, which is basic and polar, at codon 186 of the XYLT1 protein (p.Pro186Arg). This variant is present in population databases (no rsID available, gnomAD 0.003%). This variant has not been reported in the literature in individuals affected with XYLT1-related conditions. Invitae Evidence Modeling of protein sequence and biophysical properties (such as structural, functional, and spatial information, amino acid conservation, physicochemical variation, residue mobility, and thermodynamic stability) indicates that this missense variant is not expected to disrupt XYLT1 protein function with a negative predictive value of 80%. In summary, the available evidence is currently insufficient to determine the role of this variant in disease. Therefore, it has been classified as a Variant of Uncertain Significance.